The following is an entry in ClinVar:

ClinVar aggregate classification (germline): Likely pathogenic (1 of 4 stars; one submission).

Conditions:
Hypertrophic cardiomyopathy. Also called: HYPERTROPHIC MYOCARDIOPATHY. Identifiers: Orphanet 217569, MedGen C0007194, MeSH D002312, MONDO:0005045, HP:0001639.

Submission:

Labcorp Genetics (formerly Invitae), Labcorp
Classification: Likely pathogenic for Hypertrophic cardiomyopathy. Last evaluated: 2024-02-24. Review status: criteria provided, single submitter. Criteria: Invitae Variant Classification Sherloc (09022015). Collection method: clinical testing. Allele origin: germline.
Comment: This sequence change affects an acceptor splice site in intron 33 of the MYBPC3 gene. While this variant is not anticipated to result in nonsense mediated decay, it likely alters RNA splicing and results in a disrupted protein product. This variant is not present in population databases (gnomAD no frequency). Disruption of this splice site has been observed in individuals with clinical features of hypertrophic cardiomyopathy (Invitae). Variants that disrupt the consensus splice site are a relatively common cause of aberrant splicing (PMID: 17576681, 9536098). Algorithms developed to predict the effect of sequence changes on RNA splicing suggest that this variant may disrupt the consensus splice site. In summary, the currently available evidence indicates that the variant is pathogenic, but additional data are needed to prove that conclusively. Therefore, this variant has been classified as Likely Pathogenic.

Literature cited by the submitters: PubMed 17576681; PubMed 9536098.

NM_000256.3(MYBPC3):c.3815-2A>G

Gene: MYBPC3 (myosin binding protein C3; minus strand). Cytogenetic location: 11p11.2.
Variant type: single nucleotide variant.
Coding change: c.3815-2A>G on transcript NM_000256.3 (MANE Select); the canonical splice acceptor site of the intron before coding-DNA position 3815, A replaced by G.
Molecular consequence: splice acceptor variant.
Genome position (GRCh38, 1-based): chr11:47,331,883, T>C on the plus strand (A>G on the coding strand, the complement: MYBPC3 is on the minus strand). VCF-style: chr11-47331883-T-C. GRCh37 (hg19) VCF-style: chr11-47353434-T-C.
Identifiers: ClinVar variation 2758819 (VCV002758819.3), dbSNP rs2495733080, ClinGen allele CA380309440.